The following is an entry in ClinVar:

NM_000090.4(COL3A1):c.937_938dup (p.Pro314fs)

Gene: COL3A1 (collagen type III alpha 1 chain; plus strand). Cytogenetic location: 2q32.2.
Variant type: Duplication.
Coding change: c.937_938dup on transcript NM_000090.4 (MANE Select); coding-DNA positions 937 to 938, 2 bases duplicated (CT; older notation c.937_938dupCT).
Protein change: p.Pro314fs; shifts the reading frame from proline 314.
Molecular consequence: frameshift variant.
Genome position (GRCh38, 1-based): chr2:188,991,708-188,991,709, CT duplicated. VCF-style (leftmost placement, unchanged base first): chr2-188991707-A-ACT. GRCh37 (hg19) VCF-style: chr2-189856433-A-ACT.
Other names: c.937_938dupCT (NM_000090.3); c.937_938dup (NM_000090.3); short protein forms P314fs.
Identifiers: ClinVar variation 650847 (VCV000650847.12), dbSNP rs772827388, ClinGen allele CA077085.

ClinVar aggregate classification (germline): Pathogenic/Likely pathogenic. Review status: criteria provided, multiple submitters, no conflicts (2 of 4 stars). 5 submissions from 5 submitters: Pathogenic (3); Likely pathogenic (2). Last evaluated 2026-04-01.

Conditions:
Ehlers-Danlos syndrome, type 4 (EDSVASC). Also called: Ehlers-Danlos syndrome vascular type; Ehlers Danlos syndrome, ecchymotic type; Ehlers Danlos syndrome, arterial type; Ehlers Danlos syndrome, Sack-Barabas type; Ehlers-Danlos Syndrome Type IV. Identifiers: Orphanet 286, MedGen C0268338, MONDO:0017314, OMIM 130050.
Familial aortopathy. Identifiers: MedGen CN078214.

Allele frequency attached by ClinVar (database versions not stated): gnomAD exomes below 0.00001; ExAC 0.00001.

Submissions (5):

CeGaT Center for Human Genetics Tuebingen
Classification: Pathogenic. Last evaluated: 2026-04-01. Review status: criteria provided, single submitter. Criteria: CeGaT Center For Human Genetics Tuebingen Variant Classification Criteria Version 2. Collection method: clinical testing. Allele origin: germline. Affected: yes. Observed: 1 variant allele.
Comment: COL3A1: PVS1, PM2

Labcorp Genetics (formerly Invitae), Labcorp
Classification: Pathogenic for Ehlers-Danlos syndrome, type 4. Last evaluated: 2025-07-27. Review status: criteria provided, single submitter. Criteria: Invitae Variant Classification Sherloc (09022015). Collection method: clinical testing. Allele origin: germline.
Comment: This sequence change creates a premature translational stop signal (p.Pro314Phefs*97) in the COL3A1 gene. It is expected to result in an absent or disrupted protein product. Loss-of-function variants in COL3A1 are known to be pathogenic (PMID: 24922459). This variant is present in population databases (rs772827388, gnomAD 0.003%). This variant has not been reported in the literature in individuals affected with COL3A1-related conditions. ClinVar contains an entry for this variant (Variation ID: 650847). For these reasons, this variant has been classified as Pathogenic.

GeneDx
Classification: Likely pathogenic. Last evaluated: 2025-06-04. Review status: criteria provided, single submitter. Criteria: GeneDx Variant Classification Process June 2021. Collection method: clinical testing. Allele origin: germline. Affected: yes.
Comment: Frameshift variant predicted to result in protein truncation or nonsense mediated decay in a gene for which loss of function is a known mechanism of disease; Not observed at significant frequency in large population cohorts (gnomAD); Has not been previously published as pathogenic or benign to our knowledge

3billion
Classification: Pathogenic for Ehlers-Danlos syndrome, type 4. Last evaluated: 2024-01-23. Review status: criteria provided, single submitter. Criteria: ACMG Guidelines, 2015. Collection method: clinical testing. Allele origin: germline. Affected: yes.
Comment: The variant is observed at an extremely low frequency in the gnomAD v2.1.1 dataset (total allele frequency: <0.001%). Predicted Consequence/Location: Frameshift: predicted to result in a loss or disruption of normal protein function through nonsense-mediated decay (NMD) or protein truncation. Multiple pathogenic variants are reported downstream of the variant. The variant has been reported at least twice as pathogenic without evidence for the classification (ClinVar ID: VCV000650847). Therefore, this variant is classified as Pathogenic according to the recommendation of ACMG/AMP guideline.

Women's Health and Genetics/Laboratory Corporation of America, LabCorp
Classification: Likely pathogenic for Familial aortopathy. Last evaluated: 2022-01-21. Review status: criteria provided, single submitter. Criteria: LabCorp Variant Classification Summary - May 2015. Collection method: clinical testing. Allele origin: germline.
Comment: Variant summary: COL3A1 c.937_938dupCT (p.Pro314PhefsX97) results in a premature termination codon, predicted to cause a truncation of the encoded protein or absence of the protein due to nonsense mediated decay, which are commonly known mechanisms for disease. The variant allele was found at a frequency of 4e-06 in 251342 control chromosomes (gnomAD). To our knowledge, no occurrence of c.937_938dupCT in individuals affected with Aortopathy and no experimental evidence demonstrating its impact on protein function have been reported. A ClinVar submitter (evaluation after 2014) cites the variant as pathogenic. Based on the evidence outlined above, the variant was classified as likely pathogenic.

Literature cited by the submitters: PubMed 24922459 (cited by Labcorp Genetics (formerly Invitae), Labcorp).